The following is an entry in ClinVar:

ClinVar aggregate classification (germline): Uncertain significance (1 of 4 stars; one submission).

Conditions:
Arrhythmogenic right ventricular dysplasia 8 (ARVD8). Also called: Arrhythmogenic Right Ventricular Dysplasia/Cardiomyopathy 8; ARRHYTHMOGENIC RIGHT VENTRICULAR DYSPLASIA, FAMILIAL, 8; ARRHYTHMOGENIC RIGHT VENTRICULAR CARDIOMYOPATHY 8. Identifiers: MedGen C1843896, MONDO:0011831, OMIM 607450.
Arrhythmogenic cardiomyopathy with wooly hair and keratoderma. Also called: PALMOPLANTAR KERATODERMA WITH LEFT VENTRICULAR CARDIOMYOPATHY AND WOOLLY HAIR; Carvajal syndrome; Dilated cardiomyopathy with woolly hair and keratoderma; Arrhythmogenic cardiomyopathy with woolly hair and keratoderma. Identifiers: Orphanet 65282, MedGen C1854063, MONDO:0011581, OMIM 605676.

Submission:

Labcorp Genetics (formerly Invitae), Labcorp
Classification: Uncertain significance for Arrhythmogenic cardiomyopathy with wooly hair and keratoderma; Arrhythmogenic right ventricular dysplasia 8. Last evaluated: 2025-10-06. Review status: criteria provided, single submitter. Criteria: Invitae Variant Classification Sherloc (09022015). Collection method: clinical testing. Allele origin: germline.
Comment: This sequence change replaces glycine, which is neutral and non-polar, with glutamic acid, which is acidic and polar, at codon 2345 of the DSP protein (p.Gly2345Glu). This variant is not present in population databases (gnomAD no frequency). This variant has not been reported in the literature in individuals affected with DSP-related conditions. ClinVar contains an entry for this variant (Variation ID: 3751024). An algorithm developed to predict the effect of missense changes on protein structure and function (PolyPhen-2) suggests that this variant is likely to be disruptive. In summary, the available evidence is currently insufficient to determine the role of this variant in disease. Therefore, it has been classified as a Variant of Uncertain Significance.

NM_004415.4(DSP):c.7034G>A (p.Gly2345Glu)

Gene: DSP (desmoplakin; plus strand). Cytogenetic location: 6p24.3.
Variant type: single nucleotide variant.
Coding change: c.7034G>A on transcript NM_004415.4 (MANE Select); coding-DNA position 7034, G replaced by A.
Protein change: p.Gly2345Glu; replaces glycine 2345 with glutamic acid.
Molecular consequence: missense variant.
Genome position (GRCh38, 1-based): chr6:7,584,296, G>A. VCF-style: chr6-7584296-G-A. GRCh37 (hg19) VCF-style: chr6-7584529-G-A.
Other names: c.5237G>A, p.Gly1746Glu (NM_001008844.3); c.5705G>A, p.Gly1902Glu (NM_001319034.2); short protein forms G1746E, G1902E, G2345E.
Identifiers: ClinVar variation 3751024 (VCV003751024.2).